The following is an entry in ClinVar:

NM_016222.4(DDX41):c.164G>T (p.Arg55Leu)

Gene: DDX41 (DEAD-box helicase 41; minus strand). Cytogenetic location: 5q35.3.
Variant type: single nucleotide variant.
Coding change: c.164G>T on transcript NM_016222.4 (MANE Select); coding-DNA position 164, G replaced by T.
Protein change: p.Arg55Leu; replaces arginine 55 with leucine.
Molecular consequence: missense variant. On other transcripts: 5 prime UTR variant (2).
Genome position (GRCh38, 1-based): chr5:177,516,422, C>A on the plus strand (G>T on the coding strand, the complement: DDX41 is on the minus strand). VCF-style: chr5-177516422-C-A. GRCh37 (hg19) VCF-style: chr5-176943423-C-A.
Other names: c.-215G>T (NM_001321732.2, NM_001321830.2); c.164G>T (NM_016222.2); short protein forms R55L.
Identifiers: ClinVar variation 3014999 (VCV003014999.4), dbSNP rs1479333618, ClinGen allele CA362377461.

ClinVar aggregate classification (germline): Conflicting classifications of pathogenicity. Review status: criteria provided, conflicting classifications (1 of 4 stars). 2 submissions from 2 submitters: Uncertain significance (1); Likely benign (1). Last evaluated 2025-03-18.

Conditions:
Inborn genetic diseases. Identifiers: MedGen C0950123, MeSH D030342.

Allele frequency attached by ClinVar (database versions not stated): gnomAD exomes 0.00001.
gnomAD v4.1: 10 of 1,613,784 alleles (0.00062%); highest among the groups gnomAD compares: Admixed American, 0.0017%; no homozygotes.

Submissions (2):

Ambry Genetics
Classification: Likely benign for Inborn genetic diseases. Last evaluated: 2025-03-18. Review status: criteria provided, single submitter. Criteria: Ambry Variant Classification Scheme 2023. Collection method: clinical testing. Allele origin: germline.

Labcorp Genetics (formerly Invitae), Labcorp
Classification: Uncertain significance. Last evaluated: 2023-08-17. Review status: criteria provided, single submitter. Criteria: Invitae Variant Classification Sherloc (09022015). Collection method: clinical testing. Allele origin: germline.
Comment: In summary, the available evidence is currently insufficient to determine the role of this variant in disease. Therefore, it has been classified as a Variant of Uncertain Significance. An algorithm developed to predict the effect of missense changes on protein structure and function (PolyPhen-2) suggests that this variant is likely to be tolerated. This variant has not been reported in the literature in individuals affected with DDX41-related conditions. This variant is present in population databases (no rsID available, gnomAD 0.003%). This sequence change replaces arginine, which is basic and polar, with leucine, which is neutral and non-polar, at codon 55 of the DDX41 protein (p.Arg55Leu).